The following is an entry in ClinVar:

NM_001378156.1(C1QB):c.678C>A (p.Asp226Glu)

Gene: C1QB (complement C1q B chain; plus strand). Cytogenetic location: 1p36.12.
Variant type: single nucleotide variant.
Coding change: c.678C>A on transcript NM_001378156.1 (MANE Select); coding-DNA position 678, C replaced by A.
Protein change: p.Asp226Glu; replaces aspartic acid 226 with glutamic acid.
Molecular consequence: missense variant.
Genome position (GRCh38, 1-based): chr1:22,661,308, C>A. VCF-style: chr1-22661308-C-A. GRCh37 (hg19) VCF-style: chr1-22987801-C-A.
Other names: c.684C>A, p.Asp228Glu (NM_000491.5); c.678C>A, p.Asp226Glu (NM_001371184.3); c.684C>A (NM_000491.3); short protein forms D226E, D228E.
Identifiers: ClinVar variation 1424314 (VCV001424314.4), dbSNP rs759242130, ClinGen allele CA678214.
Genomic context (GRCh38, chr1:22,661,308, plus strand): 5'-CACCGGTGGCATGGTCCTCAAGCTGGAGCAGGGGGAGAACGTCTTCCTGCAGGCCACCGA[C>A]AAGAACTCACTACTGGGCATGGAGGGTGCCAACAGCATCTTTTCCGGGTTCCTGCTCTTT-3'
Protein context (NP_001365085.1, residues 216-236): QGENVFLQAT[Asp226Glu]KNSLLGMEGA

ClinVar aggregate classification (germline): Uncertain significance. Review status: criteria provided, multiple submitters, no conflicts (2 of 4 stars). 2 submissions from 2 submitters: Uncertain significance (2). Last evaluated 2025-09-10.

Conditions:
Inborn genetic diseases. Identifiers: MedGen C0950123, MeSH D030342.

Allele frequency attached by ClinVar (database versions not stated): gnomAD 0.00003 and 0.00004; TOPMed 0.00006; gnomAD exomes 0.00007; ExAC 0.00008.
gnomAD v4.1: 177 of 1,613,932 alleles (0.011%); highest among the groups gnomAD compares: Admixed American, 0.015%; 1 homozygote.

Submissions (2):

Ambry Genetics
Classification: Uncertain significance for Inborn genetic diseases. Last evaluated: 2025-09-10. Review status: criteria provided, single submitter. Criteria: Ambry Variant Classification Scheme 2023. Collection method: clinical testing. Allele origin: germline.

Labcorp Genetics (formerly Invitae), Labcorp
Classification: Uncertain significance. Last evaluated: 2021-12-25. Review status: criteria provided, single submitter. Criteria: Invitae Variant Classification Sherloc (09022015). Collection method: clinical testing. Allele origin: germline.
Comment: This sequence change replaces aspartic acid, which is acidic and polar, with glutamic acid, which is acidic and polar, at codon 228 of the C1QB protein (p.Asp228Glu). This variant is present in population databases (rs759242130, gnomAD 0.01%). This variant has not been reported in the literature in individuals affected with C1QB-related conditions. Algorithms developed to predict the effect of missense changes on protein structure and function output the following: SIFT: "Tolerated"; PolyPhen-2: "Benign"; Align-GVGD: "Class C0". The glutamic acid amino acid residue is found in multiple mammalian species, which suggests that this missense change does not adversely affect protein function. In summary, the available evidence is currently insufficient to determine the role of this variant in disease. Therefore, it has been classified as a Variant of Uncertain Significance.